The following is an entry in ClinVar:

NM_005861.4(STUB1):c.848A>T (p.Asn283Ile)

Genes: JMJD8 (jumonji domain containing 8; minus strand), STUB1 (STIP1 homology and U-box containing protein 1; plus strand). Cytogenetic location: 16p13.3.
Variant type: single nucleotide variant.
Coding change: c.848A>T on transcript NM_005861.4 (MANE Select); coding-DNA position 848, A replaced by T.
Protein change: p.Asn283Ile; replaces asparagine 283 with isoleucine.
Molecular consequence: missense variant. On other transcripts: 3 prime UTR variant (5), non-coding transcript variant (3).
Genome position (GRCh38, 1-based): chr16:682,425, A>T. VCF-style: chr16-682425-A-T. GRCh37 (hg19) VCF-style: chr16-732425-A-T.
Other names: c.632A>T, p.Asn211Ile (NM_001293197.2); c.*369T>A (NM_001005920.4, NM_001323919.3, NM_001323920.3); c.*403T>A (NM_001323918.3, NM_001323922.3); short protein forms N211I, N283I.
Identifiers: ClinVar variation 1806626 (VCV001806626.1), dbSNP rs2039705737, ClinGen allele CA394114637.

ClinVar aggregate classification (germline): Uncertain significance (1 of 4 stars; one submission).

Allele frequency attached by ClinVar (database versions not stated): gnomAD exomes below 0.00001.
gnomAD v4.1: 1 of 1,613,354 alleles (0.000062%); highest among the groups gnomAD compares: Non-Finnish European, 0.000085%; no homozygotes.

Submission:

GeneDx
Classification: Uncertain significance. Last evaluated: 2022-06-24. Review status: criteria provided, single submitter. Criteria: GeneDx Variant Classification Process June 2021. Collection method: clinical testing. Allele origin: germline. Affected: yes.
Comment: Not observed at significant frequency in large population cohorts (gnomAD); In silico analysis supports that this missense variant has a deleterious effect on protein structure/function; Has not been previously published as pathogenic or benign to our knowledge